The following is an entry in ClinVar:

NM_147127.5(EVC2):c.3273-2A>C

Gene: EVC2 (EvC ciliary complex subunit 2; minus strand). Cytogenetic location: 4p16.2.
Variant type: single nucleotide variant.
Coding change: c.3273-2A>C on transcript NM_147127.5 (MANE Select); the canonical splice acceptor site of the intron before coding-DNA position 3273, A replaced by C.
Molecular consequence: splice acceptor variant.
Genome position (GRCh38, 1-based): chr4:5,574,774, T>G on the plus strand (A>C on the coding strand, the complement: EVC2 is on the minus strand). VCF-style: chr4-5574774-T-G. GRCh37 (hg19) VCF-style: chr4-5576501-T-G.
Other names: c.3033-2A>C (NM_001166136.2).
Identifiers: ClinVar variation 1507382 (VCV001507382.7), dbSNP rs2108777040, ClinGen allele CA356151050.
Genomic context (GRCh38, chr4:5,574,774, plus strand): 5'-CCTCCATGTTTTCCAACAAGTCTTCTAGCACGACACTGTTCTGTTGTTCCTCTCTCAAAC[T>G]GGAGTGAAAATAAAATATACGTAAGTTCAGTTTTGTTATAAAGTGATACTATGAGATCAT-3'

ClinVar aggregate classification (germline): Likely pathogenic (1 of 4 stars; one submission).

Conditions:
Curry-Hall syndrome (WAD). Also called: WEYERS ACRODENTAL DYSOSTOSIS. Identifiers: Orphanet 952, MedGen C0457013, MONDO:0008673, OMIM 193530.
Ellis-van Creveld syndrome (EVC). Also called: Chondroectodermal dysplasia; EVC-Related Ellis-van Creveld Syndrome; EVC2-Related Ellis-van Creveld Syndrome; MESOECTODERMAL DYSPLASIA. Identifiers: Orphanet 289, MedGen C0013903, MONDO:0009162, OMIM 225500.

Submission:

Labcorp Genetics (formerly Invitae), Labcorp
Classification: Likely pathogenic for Curry-Hall syndrome; Ellis-van Creveld syndrome. Last evaluated: 2022-08-15. Review status: criteria provided, single submitter. Criteria: Invitae Variant Classification Sherloc (09022015). Collection method: clinical testing. Allele origin: germline.
Comment: This variant is not present in population databases (gnomAD no frequency). In summary, the currently available evidence indicates that the variant is pathogenic, but additional data are needed to prove that conclusively. Therefore, this variant has been classified as Likely Pathogenic. Algorithms developed to predict the effect of sequence changes on RNA splicing suggest that this variant may disrupt the consensus splice site. ClinVar contains an entry for this variant (Variation ID: 1507382). This variant has not been reported in the literature in individuals affected with EVC2-related conditions. This sequence change affects an acceptor splice site in intron 18 of the EVC2 gene. It is expected to disrupt RNA splicing. Variants that disrupt the donor or acceptor splice site typically lead to a loss of protein function (PMID: 16199547), and loss-of-function variants in EVC2 are known to be pathogenic (PMID: 17024374, 19810119, 19876929).

Literature cited by the submitters: PubMed 16199547; PubMed 17024374; PubMed 19810119; PubMed 19876929.